The following is an entry in ClinVar:

NM_000138.5(FBN1):c.5280T>C (p.Tyr1760=)

Gene: FBN1 (fibrillin 1; minus strand). Cytogenetic location: 15q21.1.
Variant type: single nucleotide variant.
Coding change: c.5280T>C on transcript NM_000138.5 (MANE Select); coding-DNA position 5280, T replaced by C.
Protein change: p.Tyr1760=; no amino-acid change (tyrosine 1760 retained).
Molecular consequence: synonymous variant.
Genome position (GRCh38, 1-based): chr15:48,460,262, A>G on the plus strand (T>C on the coding strand, the complement: FBN1 is on the minus strand). VCF-style: chr15-48460262-A-G. GRCh37 (hg19) VCF-style: chr15-48752459-A-G.
Identifiers: ClinVar variation 696909 (VCV000696909.9), dbSNP rs730880103, ClinGen allele CA490024119.

ClinVar aggregate classification (germline): Likely benign. Review status: criteria provided, multiple submitters, no conflicts (2 of 4 stars). 5 submissions from 5 submitters: Likely benign (5). Last evaluated 2025-05-26.

Conditions:
Marfan syndrome (MFS). Also called: MARFAN SYNDROME, TYPE I; FBN1-Related Marfan Syndrome; Marfan syndrome type 1; Marfan's syndrome; Marfan syndrome, classic. Identifiers: Orphanet 284963, Orphanet 558, MedGen C0024796, MONDO:0007947, OMIM 154700.
Familial thoracic aortic aneurysm and aortic dissection (TAAD). Also called: Thoracic aortic aneurysms and dissections. Identifiers: Orphanet 91387, MedGen C4707243, MONDO:0019625.

Allele frequency attached by ClinVar (database versions not stated): gnomAD exomes 0.00001; TOPMed below 0.00001.
gnomAD v4.1: 8 of 1,613,528 alleles (0.0005%); highest among the groups gnomAD compares: Admixed American, 0.005%; no homozygotes.

Submissions (5):

Labcorp Genetics (formerly Invitae), Labcorp
Classification: Likely benign for Marfan syndrome; Familial thoracic aortic aneurysm and aortic dissection. Last evaluated: 2025-05-26. Review status: criteria provided, single submitter. Criteria: Invitae Variant Classification Sherloc (09022015). Collection method: clinical testing. Allele origin: germline.

Women's Health and Genetics/Laboratory Corporation of America, LabCorp
Classification: Likely benign. Last evaluated: 2024-12-06. Review status: criteria provided, single submitter. Criteria: LabCorp Variant Classification Summary - May 2015. Collection method: clinical testing. Allele origin: germline.

Ambry Genetics
Classification: Likely benign for Familial thoracic aortic aneurysm and aortic dissection. Last evaluated: 2024-05-11. Review status: criteria provided, single submitter. Criteria: Ambry Variant Classification Scheme 2023. Collection method: clinical testing. Allele origin: germline.

All of Us Research Program, National Institutes of Health
Classification: Likely benign for Marfan syndrome. Last evaluated: 2023-11-20. Review status: criteria provided, single submitter. Criteria: ACMG Guidelines, 2015. Collection method: clinical testing. Allele origin: germline. Inheritance: Autosomal dominant inheritance. Observed: 1 variant allele, 1 heterozygote.
Comment: This study involves interpretation of variants in research participants for the purpose of population health screening. Participant phenotype was not available at the time of variant classification. Additional details can be found in publication PMID: 35346344, PMCID: PMC8962531

GeneDx
Classification: Likely benign. Last evaluated: 2021-09-23. Review status: criteria provided, single submitter. Criteria: GeneDx Variant Classification Process June 2021. Collection method: clinical testing. Allele origin: germline. Affected: yes.
Comment: This variant is associated with the following publications: (PMID: 26582918)